The following is an entry in ClinVar:

NM_001457.4(FLNB):c.3522G>A (p.Ser1174=)

Gene: FLNB (filamin B; plus strand). Cytogenetic location: 3p14.3.
Variant type: single nucleotide variant.
Coding change: c.3522G>A on transcript NM_001457.4 (MANE Select); coding-DNA position 3522, G replaced by A.
Protein change: p.Ser1174=; no amino-acid change (serine 1174 retained).
Molecular consequence: synonymous variant.
Genome position (GRCh38, 1-based): chr3:58,123,488, G>A. VCF-style: chr3-58123488-G-A. GRCh37 (hg19) VCF-style: chr3-58109215-G-A.
Other names: c.3522G>A, p.Ser1174= (NM_001164317.2, NM_001164318.2, NM_001164319.2).
Identifiers: ClinVar variation 710588 (VCV000710588.47), dbSNP rs140993979, ClinGen allele CA2468436.

ClinVar aggregate classification (germline): Conflicting classifications of pathogenicity. Review status: criteria provided, conflicting classifications (1 of 4 stars). 7 submissions from 7 submitters: Uncertain significance (1); Benign (1); Likely benign (4). 1 of the submissions does not count toward it. Last evaluated 2026-03-01.

Conditions:
FLNB-related disorder. Also called: FLNB-related disorders; FLNB-related condition. Identifiers: MedGen CN381095.
FLNB-Related Spectrum Disorders.

Allele frequency attached by ClinVar (database versions not stated): 1000 Genomes Project 30x 0.00016; 1000 Genomes Project 0.00020; ESP Exome Variant Server 0.00046; gnomAD exomes 0.00071 and 0.00120; ExAC 0.00073; TOPMed 0.00082; gnomAD 0.00105 and 0.00111.
gnomAD v4.1: 1,882 of 1,603,538 alleles (0.12%); highest among the groups gnomAD compares: Non-Finnish European, 0.15%; 1 homozygote.

Submissions (7):

CeGaT Center for Human Genetics Tuebingen
Classification: Likely benign. Last evaluated: 2026-03-01. Review status: criteria provided, single submitter. Criteria: CeGaT Center For Human Genetics Tuebingen Variant Classification Criteria Version 2. Collection method: clinical testing. Allele origin: germline. Affected: yes. Observed: 7 variant alleles.
Comment: FLNB: BP4, BP7

Labcorp Genetics (formerly Invitae), Labcorp
Classification: Likely benign. Last evaluated: 2026-02-03. Review status: criteria provided, single submitter. Criteria: Invitae Variant Classification Sherloc (09022015). Collection method: clinical testing. Allele origin: germline.

Blueprint Genetics
Classification: Likely benign. Last evaluated: 2024-11-18. Review status: criteria provided, single submitter. Criteria: ACMG Guidelines, 2015. Collection method: clinical testing. Allele origin: germline.

ARUP Laboratories, Molecular Genetics and Genomics, ARUP Laboratories
Classification: Likely benign. Last evaluated: 2019-12-30. Review status: criteria provided, single submitter. Criteria: ARUP Molecular Germline Variant Investigation Process. Collection method: clinical testing. Allele origin: germline.

Illumina Laboratory Services, Illumina
Classification: Uncertain significance for FLNB-Related Spectrum Disorders. Last evaluated: 2018-01-13. Review status: criteria provided, single submitter. Criteria: ICSL Variant Classification Criteria 13 December 2019. Collection method: clinical testing. Allele origin: germline.

GeneDx
Classification: Benign. Last evaluated: 2015-03-03. Review status: criteria provided, single submitter. Criteria: GeneDx Variant Classification Process June 2021. Collection method: clinical testing. Allele origin: germline. Affected: yes.

PreventionGenetics, part of Exact Sciences
Classification: Likely benign for FLNB-related condition. Last evaluated: 2022-10-25. Review status: no assertion criteria provided. Collection method: clinical testing. Allele origin: germline. Not counted in ClinVar's aggregate classification.
Comment: This variant is classified as likely benign based on ACMG/AMP sequence variant interpretation guidelines (Richards et al. 2015 PMID: 25741868, with internal and published modifications).